The following is an entry in ClinVar:

ClinVar aggregate classification (germline): Uncertain significance. Review status: criteria provided, multiple submitters, no conflicts (2 of 4 stars). 4 submissions from 4 submitters: Uncertain significance (3). 1 of the submissions does not count toward it. Last evaluated 2026-04-01.

Conditions:
Aicardi-Goutieres syndrome 4. Identifiers: Orphanet 51, MedGen C1835912, MONDO:0012472, OMIM 610333.

Allele frequency attached by ClinVar (database versions not stated): ExAC 0.00001; gnomAD exomes 0.00002; TOPMed 0.00002; gnomAD 0.00003; ESP Exome Variant Server 0.00008.
gnomAD v4.1: 34 of 1,613,678 alleles (0.0021%); highest among the groups gnomAD compares: South Asian, 0.0033%; no homozygotes.

Submissions (4):

CeGaT Center for Human Genetics Tuebingen
Classification: Uncertain significance. Last evaluated: 2026-04-01. Review status: criteria provided, single submitter. Criteria: CeGaT Center For Human Genetics Tuebingen Variant Classification Criteria Version 2. Collection method: clinical testing. Allele origin: germline. Affected: yes. Observed: 1 variant allele.
Comment: RNASEH2A: PM2, PM3:Supporting, PS3:Supporting

Women's Health and Genetics/Laboratory Corporation of America, LabCorp
Classification: Uncertain significance. Last evaluated: 2025-09-24. Review status: criteria provided, single submitter. Criteria: LabCorp Variant Classification Summary - May 2015. Collection method: clinical testing. Allele origin: germline.
Comment: Variant summary: RNASEH2A c.872G>A (p.Arg291His) results in a non-conservative amino acid change in the encoded protein sequence. Algorithms developed to predict the effect of missense changes on protein structure and function all suggest that this variant is likely to be disruptive. The variant allele was found at a frequency of 1.6e-05 in 251066 control chromosomes. c.872G>A has been observed in the compound heterozygous state in at least 2 related individual(s) affected with Aicardi Goutieres Syndrome (example, Wang_2017), as well as additional individuals with clinical features of RNASEH2A-related conditions without strong evidence for causality (example, Rice_2007, Rice_2013, Rice_2017, Mitani_2021). These data indicate that the variant may be associated with disease. At least one publication reports experimental evidence evaluating an impact on protein function. Most assay results indicated this variant does not significantly decrease enzymatic activity, however it may impact heterotrimer formation (example, Nishimura_2023, Coffin_2011). The following publications have been ascertained in the context of this evaluation (PMID: 21177858, 27943079, 21454563, 25604658, 39347527, 17846997, 28387595, 24183309, 34582790, 31529068, 37456470, 21177854). ClinVar contains an entry for this variant (Variation ID: 126401). Based on the evidence outlined above, the variant was classified as VUS-possibly pathogenic.

Labcorp Genetics (formerly Invitae), Labcorp
Classification: Uncertain significance for Aicardi-Goutieres syndrome 4. Last evaluated: 2022-02-05. Review status: criteria provided, single submitter. Criteria: Invitae Variant Classification Sherloc (09022015). Collection method: clinical testing. Allele origin: germline.
Comment: This sequence change replaces arginine, which is basic and polar, with histidine, which is basic and polar, at codon 291 of the RNASEH2A protein (p.Arg291His). This variant is present in population databases (rs75037667, gnomAD 0.006%). This missense change has been observed in individual(s) with Aicardi Goutieres syndrome (PMID: 17846997). ClinVar contains an entry for this variant (Variation ID: 126401). Algorithms developed to predict the effect of missense changes on protein structure and function are either unavailable or do not agree on the potential impact of this missense change (SIFT: "Deleterious"; PolyPhen-2: "Probably Damaging"; Align-GVGD: "Class C0"). Experimental studies have shown that this missense change affects RNASEH2A function (PMID: 31529068). In summary, the available evidence is currently insufficient to determine the role of this variant in disease. Therefore, it has been classified as a Variant of Uncertain Significance.

GeneReviews
No classification provided. Condition: Aicardi-Goutieres syndrome 4. Review status: no classification provided. Collection method: literature only. Allele origin: germline. Affected: yes. Not counted in ClinVar's aggregate classification.

Literature cited by the submitters: PubMed 25604658 (cited by Women's Health and Genetics/Laboratory Corporation of America, LabCorp); PubMed 17846997 (cited by Women's Health and Genetics/Laboratory Corporation of America, LabCorp and Labcorp Genetics (formerly Invitae), Labcorp); PubMed 24183309 (cited by Women's Health and Genetics/Laboratory Corporation of America, LabCorp); PubMed 31529068 (cited by Women's Health and Genetics/Laboratory Corporation of America, LabCorp and Labcorp Genetics (formerly Invitae), Labcorp); PubMed 34582790 (cited by Women's Health and Genetics/Laboratory Corporation of America, LabCorp); PubMed 21454563 (cited by Women's Health and Genetics/Laboratory Corporation of America, LabCorp); PubMed 27943079 (cited by Women's Health and Genetics/Laboratory Corporation of America, LabCorp); PubMed 21177854 (cited by Women's Health and Genetics/Laboratory Corporation of America, LabCorp); PubMed 39347527 (cited by Women's Health and Genetics/Laboratory Corporation of America, LabCorp); PubMed 37456470 (cited by Women's Health and Genetics/Laboratory Corporation of America, LabCorp); PubMed 28387595 (cited by Women's Health and Genetics/Laboratory Corporation of America, LabCorp); NCBI Bookshelf NBK1475 (cited by GeneReviews).

NM_006397.3(RNASEH2A):c.872G>A (p.Arg291His)

Gene: RNASEH2A (ribonuclease H2 subunit A; plus strand). Cytogenetic location: 19p13.13.
Variant type: single nucleotide variant.
Coding change: c.872G>A on transcript NM_006397.3 (MANE Select); coding-DNA position 872, G replaced by A.
Protein change: p.Arg291His; replaces arginine 291 with histidine.
Molecular consequence: missense variant.
Genome position (GRCh38, 1-based): chr19:12,813,438, G>A. VCF-style: chr19-12813438-G-A. GRCh37 (hg19) VCF-style: chr19-12924252-G-A.
Other names: short protein forms R291H.
Identifiers: ClinVar variation 126401 (VCV000126401.31), dbSNP rs75037667, ClinGen allele CA345505.